The following is an entry in ClinVar:

NM_000088.4(COL1A1):c.2829+2T>A

Gene: COL1A1 (collagen type I alpha 1 chain; minus strand). Cytogenetic location: 17q21.33.
Variant type: single nucleotide variant.
Coding change: c.2829+2T>A on transcript NM_000088.4 (MANE Select); the canonical splice donor site of the intron after coding-DNA position 2829, T replaced by A.
Molecular consequence: splice donor variant.
Genome position (GRCh38, 1-based): chr17:50,189,375, A>T on the plus strand (T>A on the coding strand, the complement: COL1A1 is on the minus strand). VCF-style: chr17-50189375-A-T. GRCh37 (hg19) VCF-style: chr17-48266736-A-T.
Identifiers: ClinVar variation 3251841 (VCV003251841.1), dbSNP rs113739104.

ClinVar aggregate classification (germline): Likely pathogenic (1 of 4 stars; one submission).

Conditions:
Osteogenesis imperfecta (OI). Identifiers: Orphanet 666, MedGen C0029434, MeSH D010013, MONDO:0019019.

Submission:

Women's Health and Genetics/Laboratory Corporation of America, LabCorp
Classification: Likely pathogenic for Osteogenesis imperfecta. Last evaluated: 2024-04-19. Review status: criteria provided, single submitter. Criteria: LabCorp Variant Classification Summary - May 2015. Collection method: clinical testing. Allele origin: germline.
Comment: Variant summary: COL1A1 c.2829+2T>A is located in a canonical splice-site and is predicted to affect mRNA splicing resulting in a significantly altered protein due to either exon skipping, shortening, or inclusion of intronic material. Several computational tools predict a significant impact on normal splicing: Four predict the variant abolishes a canonical 5' splicing donor site. However, these predictions have yet to be confirmed by functional studies. The variant was absent in 249928 control chromosomes. To our knowledge, no occurrence of c.2829+2T>A in individuals affected with Osteogenesis Imperfecta and no experimental evidence demonstrating its impact on protein function have been reported. No submitters have cited clinical-significance assessments for this variant to ClinVar. Based on the evidence outlined above, the variant was classified as likely pathogenic.